The following is an entry in ClinVar:

ClinVar aggregate classification (germline): Uncertain significance (1 of 4 stars; one submission).

Conditions:
Ciliary dyskinesia, primary, 37 (CILD37). Also called: CILIARY DYSKINESIA, PRIMARY, 37, WITH OR WITHOUT SITUS INVERSUS. Identifiers: MedGen C4539798, MONDO:0033204, OMIM 617577.
Spermatogenic failure 18. Identifiers: MedGen C4539783, MONDO:0054615, OMIM 617576.

Allele frequency attached by ClinVar (database versions not stated): TOPMed 0.00001; gnomAD 0.00001; ExAC 0.00003.
gnomAD v4.1: 29 of 1,611,676 alleles (0.0018%); highest among the groups gnomAD compares: South Asian, 0.0088%; no homozygotes.

Submission:

Labcorp Genetics (formerly Invitae), Labcorp
Classification: Uncertain significance for Ciliary dyskinesia, primary, 37; Spermatogenic failure 18. Last evaluated: 2025-06-26. Review status: criteria provided, single submitter. Criteria: Invitae Variant Classification Sherloc (09022015). Collection method: clinical testing. Allele origin: germline.
Comment: This sequence change replaces arginine, which is basic and polar, with histidine, which is basic and polar, at codon 1354 of the DNAH1 protein (p.Arg1354His). This variant is present in population databases (rs747554237, gnomAD 0.01%). This variant has not been reported in the literature in individuals affected with DNAH1-related conditions. ClinVar contains an entry for this variant (Variation ID: 2926857). Invitae Evidence Modeling of protein sequence and biophysical properties (such as structural, functional, and spatial information, amino acid conservation, physicochemical variation, residue mobility, and thermodynamic stability) indicates that this missense variant is expected to disrupt DNAH1 protein function with a positive predictive value of 80%. In summary, the available evidence is currently insufficient to determine the role of this variant in disease. Therefore, it has been classified as a Variant of Uncertain Significance.

NM_015512.5(DNAH1):c.4061G>A (p.Arg1354His)

Gene: DNAH1 (dynein axonemal heavy chain 1; plus strand). Cytogenetic location: 3p21.1.
Variant type: single nucleotide variant.
Coding change: c.4061G>A on transcript NM_015512.5 (MANE Select); coding-DNA position 4061, G replaced by A.
Protein change: p.Arg1354His; replaces arginine 1354 with histidine.
Molecular consequence: missense variant.
Genome position (GRCh38, 1-based): chr3:52,357,978, G>A. VCF-style: chr3-52357978-G-A. GRCh37 (hg19) VCF-style: chr3-52391994-G-A.
Other names: short protein forms R1354H.
Identifiers: ClinVar variation 2926857 (VCV002926857.2), dbSNP rs747554237, ClinGen allele CA2433789.
Genomic context (GRCh38, chr3:52,357,978, plus strand): 5'-ATGAACTACTAGAGATCTTGTCGCAGACAAAGGACCCCACGGCCGTGCAGCCACACCTGC[G>A]CAAGTGCTTCGAGAACATCGCTCGGGTGGGCAGCTGGGCCCGGGGCTCAGGGCTGGGAGC-3'
Protein context (NP_056327.4, residues 1344-1364): KDPTAVQPHL[Arg1354His]KCFENIARLL